The following is an entry in ClinVar:

NM_001009944.3(PKD1):c.8016+2T>C

Gene: PKD1 (polycystin 1, transient receptor potential channel interacting; minus strand). Cytogenetic location: 16p13.3.
Variant type: single nucleotide variant.
Coding change: c.8016+2T>C on transcript NM_001009944.3 (MANE Select); the canonical splice donor site of the intron after coding-DNA position 8016, T replaced by C.
Molecular consequence: splice donor variant.
Genome position (GRCh38, 1-based): chr16:2,105,320, A>G on the plus strand (T>C on the coding strand, the complement: PKD1 is on the minus strand). VCF-style: chr16-2105320-A-G. GRCh37 (hg19) VCF-style: chr16-2155321-A-G.
Other names: c.8016+2T>C (NM_000296.4).
Identifiers: ClinVar variation 636838 (VCV000636838.5), dbSNP rs1596536505, ClinGen allele CA394365781.
Genomic context (GRCh38, chr16:2,105,320, plus strand): 5'-GGGGCTGAACCCAGTGCCCTGGCAGGCATGCGGGGCAGGGTGAGCAGGTGGGGCCATCCT[A>G]CCATGCACTGGGCCAGCGCAGCAGCGATCTGCTGGATGTCATCCACAGTGTGGACCCTCA-3'

ClinVar aggregate classification (germline): Likely pathogenic. Review status: criteria provided, multiple submitters, no conflicts (2 of 4 stars). 3 submissions from 3 submitters: Likely pathogenic (3). Last evaluated 2023-08-09.

Conditions:
Polycystic kidney disease, adult type (PKD1). Also called: POLYCYSTIC KIDNEY DISEASE, ADULT, TYPE I; Polycystic Kidney, Autosomal Dominant; Polycystic Kidney Disease 1, Autosomal Dominant; Polycystic kidney disease 1; Polycystic kidney disease 1, severe; POLYCYSTIC KIDNEY DISEASE 1 WITH OR WITHOUT POLYCYSTIC LIVER DISEASE. Identifiers: MedGen C3149841, MONDO:0008263, OMIM 173900.
PKD1-related disorder. Also called: PKD1-related condition.

Submissions (3):

PreventionGenetics, part of Exact Sciences
Classification: Likely pathogenic for PKD1-related condition. Last evaluated: 2023-08-09. Review status: criteria provided, single submitter. Criteria: ACMG Guidelines, 2015. Collection method: clinical testing. Allele origin: germline.
Comment: The PKD1 c.8016+2T>C variant is predicted to disrupt the GT donor site and interfere with normal splicing. To our knowledge this variant has not been reported in the literature or in a large population database, indicating this variant is rare. Variants that disrupt the consensus splice donor site in PKD1 are expected to be pathogenic. This variant is interpreted as likely pathogenic.

Fulgent Genetics
Classification: Likely pathogenic for Polycystic kidney disease, adult type. Last evaluated: 2021-06-30. Review status: criteria provided, single submitter. Criteria: ACMG Guidelines, 2015. Collection method: clinical testing. Allele origin: unknown.
Comment: This variant has been detected in individual(s) who were sent for testing of Renasight - kidney gene panel.

Blueprint Genetics
Classification: Likely pathogenic for PKD1-related disorders. Last evaluated: 2019-11-19. Review status: criteria provided, single submitter. Criteria: ACMG Guidelines, 2015. Collection method: clinical testing. Allele origin: germline. Affected: yes. Observed: 2 variant alleles.